The following is an entry in ClinVar:

ClinVar aggregate classification (germline): Likely benign (0 of 4 stars; one submission).

Conditions:
CFAP57-related disorder. Also called: CFAP57-related condition.

Allele frequency attached by ClinVar (database versions not stated): 1000 Genomes Project 0.00040; 1000 Genomes Project 30x 0.00031; TOPMed 0.00002.
gnomAD v4.1: 222 of 1,614,202 alleles (0.014%); highest among the groups gnomAD compares: South Asian, 0.23%; 2 homozygotes.

Submission:

PreventionGenetics, part of Exact Sciences
Classification: Likely benign for CFAP57-related condition. Last evaluated: 2023-10-23. Review status: no assertion criteria provided. Collection method: clinical testing. Allele origin: germline.
Comment: This variant is classified as likely benign based on ACMG/AMP sequence variant interpretation guidelines (Richards et al. 2015 PMID: 25741868, with internal and published modifications).

NM_001378189.1(CFAP57):c.557C>G (p.Thr186Ser)

Genes: CFAP57 (cilia and flagella associated protein 57; plus strand), EBNA1BP2 (EBNA1 binding protein 2; minus strand), LOC105378685 (uncharacterized LOC105378685; minus strand). Cytogenetic location: 1p34.2.
Variant type: single nucleotide variant.
Coding change: c.557C>G on transcript NM_001378189.1 (MANE Select); coding-DNA position 557, C replaced by G.
Protein change: p.Thr186Ser; replaces threonine 186 with serine.
Molecular consequence: missense variant.
Genome position (GRCh38, 1-based): chr1:43,183,673, C>G. VCF-style: chr1-43183673-C-G. GRCh37 (hg19) VCF-style: chr1-43649344-C-G.
Other names: c.557C>G, p.Thr186Ser (NM_001167965.1, NM_001195831.3, NM_152498.3); short protein forms T186S.
Identifiers: ClinVar variation 3057543 (VCV003057543.2), dbSNP rs528534402, ClinGen allele CA804404.